The following is an entry in ClinVar:

ClinVar aggregate classification (germline): Likely benign. Review status: criteria provided, single submitter (1 of 4 stars). 2 submissions from 2 submitters: Likely benign (1). 1 of the submissions does not count toward it. Last evaluated 2025-12-16.

Conditions:
PEX1-related disorder. Also called: PEX1-related condition.
Zellweger spectrum disorders (ZS). Also called: Zellweger Spectrum Disorder; Zellweger Spectrum; Zellweger syndrome; Zellweger Spectrum Disorder (ZSD). Identifiers: Orphanet 912, MedGen C0043459, MONDO:0019609.

Allele frequency attached by ClinVar (database versions not stated): TOPMed below 0.00001; gnomAD 0.00001; ExAC 0.00002; gnomAD exomes 0.00002 and 0.00003.
gnomAD v4.1: 25 of 1,613,272 alleles (0.0015%); highest among the groups gnomAD compares: South Asian, 0.02%; no homozygotes.

Submissions (2):

Labcorp Genetics (formerly Invitae), Labcorp
Classification: Likely benign for Zellweger spectrum disorders. Last evaluated: 2025-12-16. Review status: criteria provided, single submitter. Criteria: Invitae Variant Classification Sherloc (09022015). Collection method: clinical testing. Allele origin: germline.

PreventionGenetics, part of Exact Sciences
Classification: Likely benign for PEX1-related condition. Last evaluated: 2024-02-06. Review status: no assertion criteria provided. Collection method: clinical testing. Allele origin: germline. Not counted in ClinVar's aggregate classification.
Comment: This variant is classified as likely benign based on ACMG/AMP sequence variant interpretation guidelines (Richards et al. 2015 PMID: 25741868, with internal and published modifications).

NM_000466.3(PEX1):c.2927-6C>T

Genes: GATAD1 (GATA zinc finger domain containing 1; plus strand), PEX1 (peroxisomal biogenesis factor 1; minus strand). Cytogenetic location: 7q21.2.
Variant type: single nucleotide variant.
Coding change: c.2927-6C>T on transcript NM_000466.3 (MANE Select); 6 bases into the intron before coding-DNA position 2927, C replaced by T.
Molecular consequence: intron variant.
Genome position (GRCh38, 1-based): chr7:92,494,402, G>A on the plus strand (C>T on the coding strand, the complement: PEX1 is on the minus strand). VCF-style: chr7-92494402-G-A. GRCh37 (hg19) VCF-style: chr7-92123716-G-A.
Other names: c.2756-6C>T (NM_001282677.2); c.2303-6C>T (NM_001282678.2); c.2927-6C>T (NM_000466.2).
Identifiers: ClinVar variation 1626660 (VCV001626660.11), dbSNP rs770779494, ClinGen allele CA4340959.
Genomic context (GRCh38, chr7:92,494,402, plus strand): 5'-AGCAGGGCAGGGTCAATCAAGTCAGGGCGACTAGTAGCAGCCAATACATAAACACCTAGA[G>A]GAAAAAAGAACATTTTTTTACCAAAATCTGATGACATGATGACATTTTGTTATAACATTC-3'